The following is an entry in ClinVar:

NM_001048174.2(MUTYH):c.1336C>T (p.Arg446Cys)

Gene: MUTYH (mutY DNA glycosylase; minus strand). Cytogenetic location: 1p34.1.
Variant type: single nucleotide variant.
Coding change: c.1336C>T on transcript NM_001048174.2 (MANE Select); coding-DNA position 1336, C replaced by T.
Protein change: p.Arg446Cys; replaces arginine 446 with cysteine.
Molecular consequence: missense variant. On other transcripts: non-coding transcript variant (2).
Genome position (GRCh38, 1-based): chr1:45,331,238, G>A on the plus strand (C>T on the coding strand, the complement: MUTYH is on the minus strand). VCF-style: chr1-45331238-G-A. GRCh37 (hg19) VCF-style: chr1-45796910-G-A.
Other names: c.1336C>T, p.Arg446Cys (NM_001048171.2, NM_001048173.2, NM_001293195.2); c.1339C>T, p.Arg447Cys (NM_001048172.2); c.1420C>T, p.Arg474Cys (NM_001128425.2); c.1381C>T, p.Arg461Cys (NM_001293190.2); c.1369C>T, p.Arg457Cys (NM_001293191.2); c.1060C>T, p.Arg354Cys (NM_001293192.2, NM_001293196.2); c.991C>T, p.Arg331Cys (NM_001350650.2, NM_001350651.2); c.1411C>T, p.Arg471Cys (NM_012222.3); short protein forms R474C, R460C, R354C, R331C, R457C, R446C, R447C, R461C.
Identifiers: ClinVar variation 41754 (VCV000041754.39), dbSNP rs200229669, ClinGen allele CA011638.

ClinVar aggregate classification (germline): Uncertain significance. Review status: criteria provided, multiple submitters, no conflicts (2 of 4 stars). 15 submissions from 15 submitters: Uncertain significance (12). 3 of the submissions do not count toward it. Last evaluated 2026-05-14.

Conditions:
MUTYH-related disorder. Also called: MUTYH-related condition; MUTYH-related disorders.
Hereditary cancer-predisposing syndrome. Also called: Hereditary neoplastic syndrome; Tumor predisposition; Hereditary Cancer Syndrome; Neoplastic Syndromes, Hereditary. Identifiers: Orphanet 140162, MedGen C0027672, MeSH D009386, MONDO:0015356.
Neoplasm of stomach. Also called: Neoplasm of the stomach; Stomach Neoplasms; Gastric neoplasm. Identifiers: MedGen C0038356, MONDO:0021085, HP:0006753. Disease mechanism: gain of function. Inheritance: Somatic mutation.
Familial adenomatous polyposis 2. Also called: ADENOMAS, MULTIPLE COLORECTAL, AUTOSOMAL RECESSIVE; COLORECTAL ADENOMATOUS POLYPOSIS, AUTOSOMAL RECESSIVE; FAP type 2; MUTYH-associated polyposis; Adenomas, multiple colorectal; MUTYH Polyposis. Identifiers: Orphanet 220460, Orphanet 247798, MedGen C3272841, MONDO:0012041, OMIM 608456.
Pilomatrixoma (PTR). Also called: Pilomatricoma, somatic; PILOMATRICOMA; EPITHELIOMA CALCIFICANS OF MALHERBE. Identifiers: Orphanet 91414, MedGen C0206711, MeSH D018296, MONDO:0007564, OMIM 132600, HP:0030434.
Pilocytic astrocytoma. Also called: Pilocytic astrocytoma, somatic. Identifiers: Orphanet 251612, MedGen C0334583, MONDO:0016691, HP:0033680.
Carcinoma of colon (CRC). Also called: Colonic carcinoma; Colon carcinoma. Identifiers: MedGen C0699790, MONDO:0002032.

Allele frequency attached by ClinVar (database versions not stated): TOPMed 0.00003; gnomAD 0.00004; ExAC 0.00005; gnomAD exomes 0.00005 and 0.00006; ESP Exome Variant Server 0.00015.

Submissions 1 to 8 of 15:

PreventionGenetics, part of Exact Sciences
Classification: Uncertain significance for MUTYH-related condition. Last evaluated: 2026-05-14. Review status: criteria provided, single submitter. Criteria: ACMG Guidelines, 2015. Collection method: clinical testing. Allele origin: germline.
Comment: The MUTYH c.1420C>T variant is predicted to result in the amino acid substitution p.Arg474Cys. This variant has been reported in individuals with colorectal cancer (Yurgelun et al. 2017. PubMed ID: 28135145; Georgeson et al. 2022. PubMed ID: 35668106), breast cancer, and in breast cancer controls (Fanale et al. 2020. PubMed ID: 32854451; Breast Cancer Association Consortium et al. 2021. PubMed ID: 33471991). This variant is reported in 0.010% of alleles in individuals of European (Non-Finnish) descent in gnomAD. This variant is interpreted as uncertain in ClinVar (Variation ID: 41754). At this time, the clinical significance of this variant is uncertain due to the absence of conclusive functional and genetic evidence.

Labcorp Genetics (formerly Invitae), Labcorp
Classification: Uncertain significance for Familial adenomatous polyposis 2. Last evaluated: 2026-01-17. Review status: criteria provided, single submitter. Criteria: Invitae Variant Classification Sherloc (09022015). Collection method: clinical testing. Allele origin: germline.
Comment: This sequence change replaces arginine, which is basic and polar, with cysteine, which is neutral and slightly polar, at codon 474 of the MUTYH protein (p.Arg474Cys). This variant is present in population databases (rs200229669, gnomAD 0.009%). This missense change has been observed in individual(s) with breast cancer and/or colorectal cancer (PMID: 28135145, 32854451, 35668106). This variant is also known as c.1378C>T (p.Arg460Cys). ClinVar contains an entry for this variant (Variation ID: 41754). An algorithm developed to predict the effect of missense changes on protein structure and function (PolyPhen-2) suggests that this variant is likely to be disruptive. In summary, the available evidence is currently insufficient to determine the role of this variant in disease. Therefore, it has been classified as a Variant of Uncertain Significance.

Color Diagnostics, LLC DBA Color Health
Classification: Uncertain significance for Hereditary cancer-predisposing syndrome. Last evaluated: 2025-09-24. Review status: criteria provided, single submitter. Criteria: ACMG Guidelines, 2015. Collection method: clinical testing. Allele origin: germline.
Comment: This missense variant replaces arginine with cysteine at codon 474 of the MUTYH protein. This variant is also known as c.1378C>T (p.Arg460Cys) based on an alternative transcript (NM_001048171). Computational prediction is inconclusive regarding the impact of this variant on protein structure and function. To our knowledge, functional studies have not been reported for this variant. This variant has been reported in individuals affected with colorectal cancer (PMID: 28135145, 35668106), bilateral breast cancer (PMID: 32854451) and pancreatic cancer (PMID: 30836094). This variant has also been identified in 14/282888 chromosomes in the general population by the Genome Aggregation Database (gnomAD). The available evidence is insufficient to determine the role of this variant in disease conclusively. Therefore, this variant is classified as a Variant of Uncertain Significance.

Ambry Genetics
Classification: Uncertain significance for Hereditary cancer-predisposing syndrome. Last evaluated: 2024-11-07. Review status: criteria provided, single submitter. Criteria: Ambry Variant Classification Scheme 2023. Collection method: clinical testing. Allele origin: germline.
Comment: The p.R474C variant (also known as c.1420C>T), located in coding exon 14 of the MUTYH gene, results from a C to T substitution at nucleotide position 1420. The arginine at codon 474 is replaced by cysteine, an amino acid with highly dissimilar properties. This alteration was reported in 1/572 cancer-free atherosclerosis patients (Johnston JJ et al. Am. J. Hum. Genet. 2012 Jul;91:97-108). In one study, this variant was detected in 0/165 colorectal cancer and/or polyposis patients and was identified in two control individuals from a healthy population database (Rosenthal EA et al. Hum Genet, 2018 Oct;137:795-806). This variant was also reported in a cohort study of colorectal patients that also included a control group (DeRycke MS et al. Mol Genet Genomic Med, 2017 Sep;5:553-569). In a multi-gene panel study of patients with bilateral breast cancer, this variant was observed in 1/139 cases (Fanale D et al. Cancers (Basel), 2020 Aug;12:). This amino acid position is well conserved in available vertebrate species. In addition, this alteration is predicted to be deleterious by in silico analysis. Based on the available evidence, the clinical significance of this variant remains unclear.

GeneDx
Classification: Uncertain significance. Last evaluated: 2024-09-27. Review status: criteria provided, single submitter. Criteria: GeneDx Variant Classification Process June 2021. Collection method: clinical testing. Allele origin: germline. Affected: yes.
Comment: Observed in individuals with colorectal cancer and breast cancer, and also in unaffected controls (PMID: 28135145, 32854451, 35668106, 30267214, 28944238, 33471991); Not observed at significant frequency in large population cohorts (gnomAD); In silico analysis supports that this missense variant has a deleterious effect on protein structure/function; This variant is associated with the following publications: (PMID: 22722201, 22703879, 32854451, 28135145, 35668106, 30267214, 28944238, 33471991, 30836094, 27600092, 23108399)

All of Us Research Program, National Institutes of Health
Classification: Uncertain significance for Familial adenomatous polyposis 2. Last evaluated: 2024-07-29. Review status: criteria provided, single submitter. Criteria: ACMG Guidelines, 2015. Collection method: clinical testing. Allele origin: germline. Inheritance: Autosomal recessive inheritance. Observed: 21 variant alleles, 21 heterozygotes.
Comment: This missense variant replaces arginine with cysteine at codon 474 of the MUTYH protein. This variant is also known as c.1378C>T (p.Arg460Cys) based on an alternative transcript (NM_001048171). Computational prediction is inconclusive regarding the impact of this variant on protein structure and function (internally defined REVEL score threshold 0.5 < inconclusive < 0.7, PMID: 27666373). To our knowledge, functional studies have not been reported for this variant. This variant has been reported in individuals affected with colorectal cancer (PMID: 28135145, 35668106), bilateral breast cancer (PMID: 32854451) and pancreatic cancer (PMID: 30836094). This variant has also been identified in 14/282888 chromosomes in the general population by the Genome Aggregation Database (gnomAD). The available evidence is insufficient to determine the role of this variant in disease conclusively. Therefore, this variant is classified as a Variant of Uncertain Significance.

This study involves interpretation of variants in research participants for the purpose of population health screening. Participant phenotype was not available at the time of variant classification. Additional details can be found in publication PMID: 35346344, PMCID: PMC8962531

Institute for Biomarker Research, Medical Diagnostic Laboratories, L.L.C.
Classification: Uncertain significance for Hereditary cancer-predisposing syndrome. Last evaluated: 2024-03-12. Review status: criteria provided, single submitter. Criteria: ACMG Guidelines, 2015. Collection method: clinical testing. Allele origin: germline.

Baylor Genetics
Classification: Uncertain significance for Familial adenomatous polyposis 2. Last evaluated: 2023-10-16. Review status: criteria provided, single submitter. Criteria: ACMG Guidelines, 2015. Collection method: clinical testing. Allele origin: unknown.